The following is an entry in ClinVar:

ClinVar aggregate classification (germline): Uncertain significance (1 of 4 stars; one submission).

Allele frequency attached by ClinVar (database versions not stated): gnomAD exomes 0.00001 and 0.00003; ExAC 0.00002.
gnomAD v4.1: 37 of 1,614,040 alleles (0.0023%); highest among the groups gnomAD compares: Non-Finnish European, 0.0031%; no homozygotes.

Submission:

GeneDx
Classification: Uncertain significance. Last evaluated: 2018-11-27. Review status: criteria provided, single submitter. Criteria: GeneDx Variant Classification (06012015). Collection method: clinical testing. Allele origin: germline. Affected: yes.
Comment: A variant of uncertain significance has been identified in the PRICKLE1 gene. The Y777C variant has not been published as a pathogenic variant, nor has it been reported as a benign variant to our knowledge. The Y777C variant is not observed at a significant frequency in large population cohorts (Lek et al., 2016; 1000 Genomes Consortium et al., 2015; Exome Variant Server). The Y777C variant is a non-conservative amino acid substitution, which is likely to impact secondary protein structure as these residues differ in polarity, charge, size and/or other properties. This substitution occurs at a position that is conserved in mammals, and in silico analysis predicts this variant is probably damaging to the protein structure/function. Based on the currently available information, it is unclear whether this variant is a pathogenic variant or a rare benign variant.

NM_153026.3(PRICKLE1):c.2330A>G (p.Tyr777Cys)

Gene: PRICKLE1 (prickle planar cell polarity protein 1; minus strand). Cytogenetic location: 12q12.
Variant type: single nucleotide variant.
Coding change: c.2330A>G on transcript NM_153026.3 (MANE Select); coding-DNA position 2330, A replaced by G.
Protein change: p.Tyr777Cys; replaces tyrosine 777 with cysteine.
Molecular consequence: missense variant.
Genome position (GRCh38, 1-based): chr12:42,459,975, T>C on the plus strand (A>G on the coding strand, the complement: PRICKLE1 is on the minus strand). VCF-style: chr12-42459975-T-C. GRCh37 (hg19) VCF-style: chr12-42853777-T-C.
Other names: c.2330A>G, p.Tyr777Cys (NM_001144881.2, NM_001144882.2, NM_001144883.2); short protein forms Y777C.
Identifiers: ClinVar variation 423508 (VCV000423508.2), dbSNP rs768039518, ClinGen allele CA6519616.